The following is an entry in ClinVar:

NM_015972.4(POLR1D):c.289C>T (p.Gln97Ter)

Genes: POLR1D (RNA polymerase I and III subunit D; plus strand), LOC147380392 (uncharacterized LOC147380392; plus strand). Cytogenetic location: 13q12.2.
Variant type: single nucleotide variant.
Coding change: c.289C>T on transcript NM_015972.4 (MANE Select); coding-DNA position 289, C replaced by T.
Protein change: p.Gln97Ter; replaces glutamine 97 with a stop codon.
Molecular consequence: nonsense. On other transcripts: intron variant (2).
Genome position (GRCh38, 1-based): chr13:27,623,137, C>T. VCF-style: chr13-27623137-C-T. GRCh37 (hg19) VCF-style: chr13-28197274-C-T.
Other names: c.289C>T, p.Gln97Ter (NM_001374407.1); c.-59+1997C>T (NM_001206559.2); c.26+1128C>T (NM_152705.3); short protein forms Q97*.
Identifiers: ClinVar variation 2028351 (VCV002028351.4), dbSNP rs2500475403, ClinGen allele CA387635752.

ClinVar aggregate classification (germline): Uncertain significance (1 of 4 stars; one submission).

Submission:

Labcorp Genetics (formerly Invitae), Labcorp
Classification: Uncertain significance. Last evaluated: 2025-06-12. Review status: criteria provided, single submitter. Criteria: Invitae Variant Classification Sherloc (09022015). Collection method: clinical testing. Allele origin: germline.
Comment: This sequence change creates a premature translational stop signal (p.Gln97*) in the POLR1D gene. While this is not anticipated to result in nonsense mediated decay, it is expected to disrupt the last 37 amino acid(s) of the POLR1D protein. This variant is not present in population databases (gnomAD no frequency). This variant has not been reported in the literature in individuals affected with POLR1D-related conditions. ClinVar contains an entry for this variant (Variation ID: 2028351). Experimental studies and prediction algorithms are not available or were not evaluated, and the functional significance of this variant is currently unknown. In summary, the available evidence is currently insufficient to determine the role of this variant in disease. Therefore, it has been classified as a Variant of Uncertain Significance.